The following is an entry in ClinVar:

ClinVar aggregate classification (germline): Pathogenic (1 of 4 stars; one submission).

Conditions:
Hereditary cancer-predisposing syndrome. Also called: Neoplastic Syndromes, Hereditary; Tumor predisposition; Hereditary neoplastic syndrome; Hereditary Cancer Syndrome. Identifiers: Orphanet 140162, MedGen C0027672, MeSH D009386, MONDO:0015356.

Submission:

Ambry Genetics
Classification: Pathogenic for Hereditary cancer-predisposing syndrome. Last evaluated: 2026-06-29. Review status: criteria provided, single submitter. Criteria: Ambry Variant Classification Scheme 2023. Collection method: clinical testing. Allele origin: germline.
Comment: The p.E565* pathogenic mutation (also known as c.1693G>T), located in coding exon 10 of the ATM gene, results from a G to T substitution at nucleotide position 1693. This changes the amino acid from a glutamic acid to a stop codon within coding exon 10. This variant is considered to be rare based on population cohorts in the Genome Aggregation Database (gnomAD). This alteration is expected to result in loss of function by premature protein truncation or nonsense-mediated mRNA decay. As such, this alteration is interpreted as a disease-causing mutation.

NM_000051.4(ATM):c.1693G>T (p.Glu565Ter)

Gene: ATM (ATM serine/threonine kinase; plus strand). Cytogenetic location: 11q22.3.
Variant type: single nucleotide variant.
Coding change: c.1693G>T on transcript NM_000051.4 (MANE Select); coding-DNA position 1693, G replaced by T.
Protein change: p.Glu565Ter; replaces glutamic acid 565 with a stop codon.
Molecular consequence: nonsense.
Genome position (GRCh38, 1-based): chr11:108,251,922, G>T. VCF-style: chr11-108251922-G-T. GRCh37 (hg19) VCF-style: chr11-108122649-G-T.
Other names: c.1693G>T, p.Glu565Ter (NM_001351834.2); short protein forms E565*.
Identifiers: ClinVar variation 5031278 (VCV005031278.1).